The following is an entry in ClinVar:

ClinVar aggregate classification (germline): Likely pathogenic (1 of 4 stars; one submission).

gnomAD v4.1: 3 of 1,613,874 alleles (0.00019%); highest among the groups gnomAD compares: Non-Finnish European, 0.00025%; no homozygotes.

Submission:

Labcorp Genetics (formerly Invitae), Labcorp
Classification: Likely pathogenic. Last evaluated: 2025-11-16. Review status: criteria provided, single submitter. Criteria: Invitae Variant Classification Sherloc (09022015). Collection method: clinical testing. Allele origin: germline.
Comment: This sequence change replaces aspartic acid, which is acidic and polar, with tyrosine, which is neutral and polar, at codon 232 of the FMO3 protein (p.Asp232Tyr). This variant is present in population databases (no rsID available, gnomAD 0.007%). This missense change has been observed in individual(s) with inherited trimethylaminuria (PMID: 31240165). Invitae Evidence Modeling of protein sequence and biophysical properties (such as structural, functional, and spatial information, amino acid conservation, physicochemical variation, residue mobility, and thermodynamic stability) indicates that this missense variant is expected to disrupt FMO3 protein function with a positive predictive value of 95%. In summary, the currently available evidence indicates that the variant is pathogenic, but additional data are needed to prove that conclusively. Therefore, this variant has been classified as Likely Pathogenic.

Literature cited by the submitters: PubMed 31240165.

NM_001002294.3(FMO3):c.694G>T (p.Asp232Tyr)

Gene: FMO3 (flavin containing dimethylaniline monoxygenase 3; plus strand). Cytogenetic location: 1q24.3.
Variant type: single nucleotide variant.
Coding change: c.694G>T on transcript NM_001002294.3 (MANE Select); coding-DNA position 694, G replaced by T.
Protein change: p.Asp232Tyr; replaces aspartic acid 232 with tyrosine.
Molecular consequence: missense variant.
Genome position (GRCh38, 1-based): chr1:171,110,864, G>T. VCF-style: chr1-171110864-G-T. GRCh37 (hg19) VCF-style: chr1-171080005-G-T.
Other names: c.634G>T, p.Asp212Tyr (NM_001319173.2); c.505G>T, p.Asp169Tyr (NM_001319174.2); c.694G>T, p.Asp232Tyr (NM_006894.6); short protein forms D169Y, D232Y, D212Y.
Identifiers: ClinVar variation 4750109 (VCV004750109.1).